The following is an entry in ClinVar:

ClinVar aggregate classification (germline): Uncertain significance. Review status: criteria provided, multiple submitters, no conflicts (2 of 4 stars). 2 submissions from 2 submitters: Uncertain significance (2). Last evaluated 2026-04-14.

Conditions:
Familial intrahepatic cholestasis. Identifiers: Orphanet 284385, MedGen CN296401, MONDO:0017290.
ABCB11-related disorder. Also called: ABCB11-related condition.

Submissions (2):

Genomenon, Inc
Classification: Uncertain significance for Familial intrahepatic cholestasis. Last evaluated: 2026-04-14. Review status: criteria provided, single submitter. Criteria: Genomenon Sequence Variant Interpretation Standards - Updated. Collection method: curation. Allele origin: germline. Affected: yes.
Comment: ABCB11 p.Ala926Pro (c.2776G>C) is a missense variant that changes the amino acid at residue 926 from Alanine to Proline. This variant has been observed in at least one proband with an ABCB11-related disorder (PMID:15300568). Splicing studies have been reported (PMID:19101985). It is absent or not present at a significant frequency in gnomAD. In silico models predict that this variant is possibly or probably damaging. In conclusion, we classify ABCB11 p.Ala926Pro (c.2776G>C) as a variant of uncertain significance.

PreventionGenetics, part of Exact Sciences
Classification: Uncertain significance for ABCB11-related condition. Last evaluated: 2025-07-02. Review status: criteria provided, single submitter. Criteria: ACMG Guidelines, 2015. Collection method: clinical testing. Allele origin: germline.
Comment: The ABCB11 c.2776G>C variant is predicted to result in the amino acid substitution p.Ala926Pro. This variant has been reported in a family affected with benign recurrent intrahepatic cholestasis (van Mil et al. 2004. PubMed ID: 15300568). However, further evidence of pathogenicity was not provided. In vitro experimental studies suggest this variant may result in mild in-frame exon skipping (Byrne et al. 2009. PubMed ID: 19101985; Supplementary Table 1 in Holm et al. 2024. PubMed ID: 38324470). This variant has not been reported in a large population database (gnomAD), indicating this variant is rare. At this time, the clinical significance of this variant is uncertain due to the absence of conclusive functional and genetic evidence.

Literature cited by the submitters: PubMed 15300568 (cited by Genomenon, Inc); PubMed 19101985 (cited by Genomenon, Inc).

NM_003742.4(ABCB11):c.2776G>C (p.Ala926Pro)

Genes: ABCB11 (ATP binding cassette subfamily B member 11; minus strand), LOC126806400 (CDK7 strongly-dependent group 2 enhancer GRCh37_chr2:169791870-169793069; plus strand). Cytogenetic location: 2q31.1.
Variant type: single nucleotide variant.
Coding change: c.2776G>C on transcript NM_003742.4 (MANE Select); coding-DNA position 2776, G replaced by C.
Protein change: p.Ala926Pro; replaces alanine 926 with proline.
Molecular consequence: missense variant.
Genome position (GRCh38, 1-based): chr2:168,936,268, C>G on the plus strand (G>C on the coding strand, the complement: ABCB11 is on the minus strand). VCF-style: chr2-168936268-C-G. GRCh37 (hg19) VCF-style: chr2-169792778-C-G.
Other names: c.2776G>C (NM_003742.2); short protein forms A926P.
Identifiers: ClinVar variation 4845955 (VCV004845955.2).
Genomic context (GRCh38, chr2:168,936,268, plus strand): 5'-AAAATTAGATCTGCAAGATTACCTGTCCCACCATCTCCAGGGCCTGCTTATCTCGAGAGG[C>G]AAATCCTGTCAACATCCTGGTCTGTGTGGCTCCTGATAAAGCCAAGAAGGGGAAGAAGCA-3'
Protein context (NP_003733.2, residues 916-936): ATQTRMLTGF[Ala926Pro]SRDKQALEMV